The following is an entry in ClinVar:

ClinVar aggregate classification (germline): Benign/Likely benign. Review status: criteria provided, multiple submitters, no conflicts (2 of 4 stars). 3 submissions from 3 submitters: Benign (1); Likely benign (1). 1 of the submissions does not count toward it. Last evaluated 2024-11-13.

Conditions:
MMP21-related disorder. Also called: MMP21-related condition.

Allele frequency attached by ClinVar (database versions not stated): gnomAD exomes 0.00010 and 0.00032; ExAC 0.00050; ESP Exome Variant Server 0.00113; gnomAD 0.00147 and 0.00158; TOPMed 0.00161; 1000 Genomes Project 30x 0.00172; 1000 Genomes Project 0.00220.
gnomAD v4.1: 373 of 1,576,772 alleles (0.024%); highest among the groups gnomAD compares: African/African-American, 0.47%; no homozygotes.

Submissions (3):

Blueprint Genetics
Classification: Likely benign. Last evaluated: 2024-11-13. Review status: criteria provided, single submitter. Criteria: ACMG Guidelines, 2015. Collection method: clinical testing. Allele origin: germline.

Labcorp Genetics (formerly Invitae), Labcorp
Classification: Benign. Last evaluated: 2018-03-30. Review status: criteria provided, single submitter. Criteria: Invitae Variant Classification Sherloc (09022015). Collection method: clinical testing. Allele origin: germline.

PreventionGenetics, part of Exact Sciences
Classification: Likely benign for MMP21-related condition. Last evaluated: 2024-03-24. Review status: no assertion criteria provided. Collection method: clinical testing. Allele origin: germline. Not counted in ClinVar's aggregate classification.
Comment: This variant is classified as likely benign based on ACMG/AMP sequence variant interpretation guidelines (Richards et al. 2015 PMID: 25741868, with internal and published modifications).

NM_147191.1(MMP21):c.558C>T (p.Ser186=)

Gene: MMP21 (matrix metallopeptidase 21; minus strand). Cytogenetic location: 10q26.2.
Variant type: single nucleotide variant.
Coding change: c.558C>T on transcript NM_147191.1 (MANE Select); coding-DNA position 558, C replaced by T.
Protein change: p.Ser186=; no amino-acid change (serine 186 retained).
Molecular consequence: synonymous variant.
Genome position (GRCh38, 1-based): chr10:125,773,970, G>A on the plus strand (C>T on the coding strand, the complement: MMP21 is on the minus strand). VCF-style: chr10-125773970-G-A. GRCh37 (hg19) VCF-style: chr10-127462539-G-A.
Identifiers: ClinVar variation 767219 (VCV000767219.5), dbSNP rs373268684, ClinGen allele CA5738193.